The following is an entry in ClinVar:

ClinVar aggregate classification (germline): Conflicting classifications of pathogenicity. Review status: criteria provided, conflicting classifications (1 of 4 stars). 5 submissions from 5 submitters: Uncertain significance (3); Likely benign (1). 1 of the submissions does not count toward it. Last evaluated 2024-06-15.

Conditions:
Hereditary breast ovarian cancer syndrome. Also called: Hereditary breast and ovarian cancer syndrome; Hereditary breast and ovarian cancer; Hereditary breast and ovarian cancer syndrome (HBOC); Breast and ovarian cancer; Hereditary breast and/or ovarian cancer syndrome; BRCA1- and BRCA2-Associated Hereditary Breast and Ovarian Cancer. Identifiers: Orphanet 145, MedGen C0677776, MeSH D061325, MONDO:0003582. Disease mechanism: loss of function.
Breast-ovarian cancer, familial, susceptibility to, 2 (BROVCA2). Also called: BRCA2 Hereditary Breast and Ovarian Cancer. Identifiers: Orphanet 145, MedGen C2675520, MONDO:0012933, OMIM 612555. Disease mechanism: loss of function.
Hereditary cancer-predisposing syndrome. Also called: Neoplastic Syndromes, Hereditary; Tumor predisposition; Hereditary neoplastic syndrome; Hereditary Cancer Syndrome. Identifiers: Orphanet 140162, MedGen C0027672, MeSH D009386, MONDO:0015356.

Submissions (5):

Women's Health and Genetics/Laboratory Corporation of America, LabCorp
Classification: Uncertain significance. Last evaluated: 2024-06-15. Review status: criteria provided, single submitter. Criteria: LabCorp Variant Classification Summary - May 2015. Collection method: clinical testing. Allele origin: germline.

Ambry Genetics
Classification: Uncertain significance for Hereditary cancer-predisposing syndrome. Last evaluated: 2023-06-09. Review status: criteria provided, single submitter. Criteria: Ambry Variant Classification Scheme 2023. Collection method: clinical testing. Allele origin: germline.
Comment: The p.P2276S variant (also known as c.6826C>T), located in coding exon 10 of the BRCA2 gene, results from a C to T substitution at nucleotide position 6826. The proline at codon 2276 is replaced by serine, an amino acid with similar properties. This amino acid position is poorly conserved in available vertebrate species. In addition, this alteration is predicted to be tolerated by in silico analysis. Since supporting evidence is limited at this time, the clinical significance of this alteration remains unclear.

University of Washington Department of Laboratory Medicine, University of Washington
Classification: Likely benign for Hereditary cancer-predisposing syndrome. Last evaluated: 2023-03-23. Review status: criteria provided, single submitter. Criteria: Dines et al. (Genet Med. 2020). Collection method: curation. Allele origin: germline.
Comment: Missense variant in a coldspot region where missense variants are very unlikely to be pathogenic (PMID:31911673).

BRCA2 exon 11 coldspot. Reclassification based on statistical prior probability.

Labcorp Genetics (formerly Invitae), Labcorp
Classification: Uncertain significance for Hereditary breast ovarian cancer syndrome. Last evaluated: 2019-04-13. Review status: criteria provided, single submitter. Criteria: Invitae Variant Classification Sherloc (09022015). Collection method: clinical testing. Allele origin: germline.
Comment: In summary, this variant is a rare missense change that is not predicted to affect protein function. While it is absent from the population and reported in affected individuals, the available evidence is currently insufficient to determine its role in disease. Therefore, it has been classified as a Variant of Uncertain Significance. This variant has been reported in individuals in the Breast Cancer Information Core database (PMID: 10923033). ClinVar contains an entry for this variant (Variation ID: 52202). This variant is not present in population databases (ExAC no frequency). This sequence change replaces proline with serine at codon 2276 of the BRCA2 protein (p.Pro2276Ser). The proline residue is weakly conserved and there is a moderate physicochemical difference between proline and serine. Algorithms developed to predict the effect of missense changes on protein structure and function (SIFT, PolyPhen-2, Align-GVGD) all suggest that this variant is likely to be tolerated, but these predictions have not been confirmed by published functional studies.

Breast Cancer Information Core (BIC) (BRCA2)
Classification: Uncertain significance for Breast-ovarian cancer, familial 2. Last evaluated: 2001-01-17. Review status: no assertion criteria provided. Collection method: clinical testing. Allele origin: germline. Affected: yes. Observed: 1 variant allele. Not counted in ClinVar's aggregate classification.

Literature cited by the submitters: PubMed 10923033 (cited by Labcorp Genetics (formerly Invitae), Labcorp).

NM_000059.4(BRCA2):c.6826C>T (p.Pro2276Ser)

Gene: BRCA2 (BRCA2 DNA repair associated; plus strand). Cytogenetic location: 13q13.1.
Variant type: single nucleotide variant.
Coding change: c.6826C>T on transcript NM_000059.4 (MANE Select); coding-DNA position 6826, C replaced by T.
Protein change: p.Pro2276Ser; replaces proline 2276 with serine.
Molecular consequence: missense variant.
Genome position (GRCh38, 1-based): chr13:32,341,181, C>T. VCF-style: chr13-32341181-C-T. GRCh37 (hg19) VCF-style: chr13-32915318-C-T.
Other names: short protein forms P2276S.
Identifiers: ClinVar variation 52202 (VCV000052202.17), dbSNP rs80358907, ClinGen allele CA024466.
Genomic context (GRCh38, chr13:32,341,181, plus strand): 5'-TGTCCCGAAAATGAGGAAATGGTTTTGTCAAATTCAAGAATTGGAAAAAGAAGAGGAGAG[C>T]CCCTTATCTTAGTGGGTAAGTGTTCATTTTTACCTTTCGTGTTGCCAATCACTATTTTTA-3'
Protein context (NP_000050.3, residues 2266-2286): NSRIGKRRGE[Pro2276Ser]LILVGEPSIK